The following is an entry in ClinVar:

NM_133433.4(NIPBL):c.2087C>T (p.Thr696Ile)

Gene: NIPBL (NIPBL cohesin loading factor; plus strand). Cytogenetic location: 5p13.2.
Variant type: single nucleotide variant.
Coding change: c.2087C>T on transcript NM_133433.4 (MANE Select); coding-DNA position 2087, C replaced by T.
Protein change: p.Thr696Ile; replaces threonine 696 with isoleucine.
Molecular consequence: missense variant.
Genome position (GRCh38, 1-based): chr5:36,985,267, C>T. VCF-style: chr5-36985267-C-T. GRCh37 (hg19) VCF-style: chr5-36985369-C-T.
Other names: c.2087C>T, p.Thr696Ile (NM_015384.5); short protein forms T696I.
Identifiers: ClinVar variation 2176719 (VCV002176719.7), dbSNP rs763785383, ClinGen allele CA3236120.

ClinVar aggregate classification (germline): Uncertain significance. Review status: criteria provided, multiple submitters, no conflicts (2 of 4 stars). 2 submissions from 2 submitters: Uncertain significance (2). Last evaluated 2022-11-15.

Conditions:
Cornelia de Lange syndrome 1 (CDLS1). Also called: TYPUS DEGENERATIVUS AMSTELODAMENSIS; NIPBL-Related Cornelia de Lange Syndrome; Brachmann de Lange syndrome. Identifiers: Orphanet 199, MedGen C4551851, MONDO:0007387, OMIM 122470.

Allele frequency attached by ClinVar (database versions not stated): ExAC 0.00001; gnomAD exomes 0.00001.
gnomAD v4.1: 15 of 1,613,550 alleles (0.00093%); highest among the groups gnomAD compares: Non-Finnish European, 0.0012%; no homozygotes.

Submissions (2):

Revvity Omics, Revvity
Classification: Uncertain significance for Cornelia de Lange syndrome 1. Last evaluated: 2022-11-15. Review status: criteria provided, single submitter. Criteria: ACMG Guidelines, 2015. Collection method: clinical testing. Allele origin: germline.

Labcorp Genetics (formerly Invitae), Labcorp
Classification: Uncertain significance for Cornelia de Lange syndrome 1. Last evaluated: 2022-06-14. Review status: criteria provided, single submitter. Criteria: Invitae Variant Classification Sherloc (09022015). Collection method: clinical testing. Allele origin: germline.
Comment: This variant has not been reported in the literature in individuals affected with NIPBL-related conditions. Advanced modeling of protein sequence and biophysical properties (such as structural, functional, and spatial information, amino acid conservation, physicochemical variation, residue mobility, and thermodynamic stability) performed at Invitae indicates that this missense variant is not expected to disrupt NIPBL protein function. In summary, the available evidence is currently insufficient to determine the role of this variant in disease. Therefore, it has been classified as a Variant of Uncertain Significance. This variant is present in population databases (rs763785383, gnomAD 0.0009%). This sequence change replaces threonine, which is neutral and polar, with isoleucine, which is neutral and non-polar, at codon 696 of the NIPBL protein (p.Thr696Ile).